The following is an entry in ClinVar:

NM_001267550.2(TTN):c.68044G>C (p.Glu22682Gln)

Genes: TTN (titin; minus strand), TTN-AS1 (TTN antisense RNA 1; plus strand), LOC126806423 (CDK7 strongly-dependent group 2 enhancer GRCh37_chr2:179443309-179444508; plus strand). Cytogenetic location: 2q31.2.
Variant type: single nucleotide variant.
Coding change: c.68044G>C on transcript NM_001267550.2 (MANE Select); coding-DNA position 68044, G replaced by C.
Protein change: p.Glu22682Gln; replaces glutamic acid 22682 with glutamine.
Molecular consequence: missense variant.
Genome position (GRCh38, 1-based): chr2:178,578,986, C>G on the plus strand (G>C on the coding strand, the complement: TTN is on the minus strand). VCF-style: chr2-178578986-C-G. GRCh37 (hg19) VCF-style: chr2-179443713-C-G.
Other names: c.63121G>C, p.Glu21041Gln (NM_001256850.1); c.40849G>C, p.Glu13617Gln (NM_003319.4); c.60340G>C, p.Glu20114Gln (NM_133378.4); c.41224G>C, p.Glu13742Gln (NM_133432.3); c.41425G>C, p.Glu13809Gln (NM_133437.4); short protein forms E13617Q, E13742Q, E13809Q, E20114Q, E21041Q, E22682Q.
Identifiers: ClinVar variation 2662669 (VCV002662669.1), dbSNP rs2468863601, ClinGen allele CA349421914.

ClinVar aggregate classification (germline): Uncertain significance (1 of 4 stars; one submission).

Submission:

GeneDx
Classification: Uncertain significance. Last evaluated: 2023-04-27. Review status: criteria provided, single submitter. Criteria: GeneDx Variant Classification Process June 2021. Collection method: clinical testing. Allele origin: germline. Affected: yes.
Comment: Not observed at significant frequency in large population cohorts (gnomAD); Missense variant in a gene in which most reported pathogenic variants are truncating/loss of function; Has not been previously published as pathogenic or benign to our knowledge; Located in the A-band region of TTN in which the majority of loss of function variants have been associated with autosomal dominant titinopathies (Herman et al., 2012)